The following is an entry in ClinVar:

NM_012414.4(RAB3GAP2):c.60C>T (p.Phe20=)

Gene: RAB3GAP2 (RAB3 GTPase activating non-catalytic protein subunit 2; minus strand). Cytogenetic location: 1q41.
Variant type: single nucleotide variant.
Coding change: c.60C>T on transcript NM_012414.4 (MANE Select); coding-DNA position 60, C replaced by T.
Protein change: p.Phe20=; no amino-acid change (phenylalanine 20 retained).
Molecular consequence: synonymous variant.
Genome position (GRCh38, 1-based): chr1:220,272,278, G>A on the plus strand (C>T on the coding strand, the complement: RAB3GAP2 is on the minus strand). VCF-style: chr1-220272278-G-A. GRCh37 (hg19) VCF-style: chr1-220445620-G-A.
Identifiers: ClinVar variation 5039615 (VCV005039615.1).

ClinVar aggregate classification (germline): Likely benign (1 of 4 stars; one submission).

gnomAD v4.1: 4 of 1,612,514 alleles (0.00025%); highest among the groups gnomAD compares: South Asian, 0.0044%; no homozygotes.

Submission:

CeGaT Center for Human Genetics Tuebingen
Classification: Likely benign. Last evaluated: 2026-07-01. Review status: criteria provided, single submitter. Criteria: CeGaT Center For Human Genetics Tuebingen Variant Classification Criteria Version 2. Collection method: clinical testing. Allele origin: germline. Affected: yes. Observed: 1 variant allele.
Comment: RAB3GAP2: BP4, BP7